The following is an entry in ClinVar:

ClinVar aggregate classification (germline): Benign/Likely benign. Review status: criteria provided, multiple submitters, no conflicts (2 of 4 stars). 3 submissions from 3 submitters: Benign (1); Likely benign (1). 1 of the submissions does not count toward it. Last evaluated 2026-01-18.

Conditions:
LRRC8A-related disorder. Also called: LRRC8A-related condition.

Allele frequency attached by ClinVar (database versions not stated): ESP Exome Variant Server 0.00015; TOPMed 0.00018; gnomAD exomes 0.00038; ExAC 0.00039; gnomAD 0.00042.
gnomAD v4.1: 636 of 1,613,992 alleles (0.039%); highest among the groups gnomAD compares: Non-Finnish European, 0.041%; 1 homozygote.

Submissions (3):

Labcorp Genetics (formerly Invitae), Labcorp
Classification: Benign. Last evaluated: 2026-01-18. Review status: criteria provided, single submitter. Criteria: Invitae Variant Classification Sherloc (09022015). Collection method: clinical testing. Allele origin: germline.

Blueprint Genetics
Classification: Likely benign. Last evaluated: 2023-11-22. Review status: criteria provided, single submitter. Criteria: ACMG Guidelines, 2015. Collection method: clinical testing. Allele origin: germline.

PreventionGenetics, part of Exact Sciences
Classification: Likely benign for LRRC8A-related condition. Last evaluated: 2019-07-12. Review status: no assertion criteria provided. Collection method: clinical testing. Allele origin: germline. Not counted in ClinVar's aggregate classification.
Comment: This variant is classified as likely benign based on ACMG/AMP sequence variant interpretation guidelines (Richards et al. 2015 PMID: 25741868, with internal and published modifications).

NM_019594.4(LRRC8A):c.939C>G (p.Pro313=)

Gene: LRRC8A (leucine rich repeat containing 8 VRAC subunit A; plus strand). Cytogenetic location: 9q34.11.
Variant type: single nucleotide variant.
Coding change: c.939C>G on transcript NM_019594.4 (MANE Select); coding-DNA position 939, C replaced by G.
Protein change: p.Pro313=; no amino-acid change (proline 313 retained).
Molecular consequence: synonymous variant.
Genome position (GRCh38, 1-based): chr9:128,908,103, C>G. VCF-style: chr9-128908103-C-G. GRCh37 (hg19) VCF-style: chr9-131670382-C-G.
Other names: c.939C>G, p.Pro313= (NM_001127244.2, NM_001127245.2); c.939C>G (NM_019594.3).
Identifiers: ClinVar variation 1635364 (VCV001635364.11), dbSNP rs369898214, ClinGen allele CA5270807.
Genomic context (GRCh38, chr9:128,908,103, plus strand): 5'-GGACTGCACCGTGGACATTGAGAGCCTGACGGGCTACCGCACCTACCGCTGTGCCCACCC[C>G]CTGGCCACACTCTTCAAGATCCTGGCGTCCTTCTACATCAGCCTAGTCATCTTCTACGGC-3'
Protein context (NP_062540.2, residues 303-323): TGYRTYRCAH[Pro313=]LATLFKILAS